The following is an entry in ClinVar:

NM_000268.4(NF2):c.*2455T>C

Gene: NF2 (NF2, moesin-ezrin-radixin like (MERLIN) tumor suppressor; plus strand). Cytogenetic location: 22q12.2.
Variant type: single nucleotide variant.
Coding change: c.*2455T>C on transcript NM_000268.4 (MANE Select); 2455 bases downstream of the stop codon, T replaced by C.
Molecular consequence: 3 prime UTR variant. On other transcripts: non-coding transcript variant (1).
Genome position (GRCh38, 1-based): chr22:29,697,257, T>C. VCF-style: chr22-29697257-T-C. GRCh37 (hg19) VCF-style: chr22-30093246-T-C.
Other names: c.*2515T>C (NM_016418.5, NM_181828.3, NM_181829.3 and 1 more transcripts); c.*2530T>C (NM_181832.3); c.*2455T>C (NM_181833.3).
Identifiers: ClinVar variation 341148 (VCV000341148.6), dbSNP rs73159090, ClinGen allele CA10651049.

ClinVar aggregate classification (germline): Benign. Review status: criteria provided, multiple submitters, no conflicts (2 of 4 stars). 2 submissions from 2 submitters: Benign (2). Last evaluated 2018-01-13.

Conditions:
Neurofibromatosis, type 2 (SWNV). Also called: SCHWANNOMATOSIS, VESTIBULAR; BILATERAL ACOUSTIC NEUROFIBROMATOSIS; NF2-Related Schwannomatosis. Identifiers: Orphanet 637, MedGen C0027832, MONDO:0007039, OMIM 101000. Disease mechanism: loss of function.

Allele frequency attached by ClinVar (database versions not stated): 1000 Genomes Project 0.00739; 1000 Genomes Project 30x 0.00750; gnomAD 0.01258 and 0.01308; TOPMed 0.01350; gnomAD exomes 0.01506.

Submissions (2):

Illumina Laboratory Services, Illumina
Classification: Benign for Neurofibromatosis, type 2. Last evaluated: 2018-01-13. Review status: criteria provided, single submitter. Criteria: ICSL Variant Classification Criteria 13 December 2019. Collection method: clinical testing. Allele origin: germline.
Comment: This variant was observed in the ICSL laboratory as part of a predisposition screen in an ostensibly healthy population. It had not been previously curated by ICSL or reported in the Human Gene Mutation Database (HGMD: prior to June 1st, 2018), and was therefore a candidate for classification through an automated scoring system. Utilizing variant allele frequency, disease prevalence and penetrance estimates, and inheritance mode, an automated score was calculated to assess if this variant is too frequent to cause the disease. Based on the score and internal cut-off values, a variant classified as benign is not then subjected to further curation. The score for this variant resulted in a classification of benign for this disease.

Breakthrough Genomics
Classification: Benign. Review status: criteria provided, single submitter. Criteria: ACMG Guidelines, 2015. Collection method: not provided. Allele origin: germline. Inheritance: Autosomal dominant inheritance. Affected: yes.